The following is an entry in ClinVar:

NM_015354.3(NUP188):c.4902A>C (p.Ala1634=)

Gene: NUP188 (nucleoporin 188; plus strand). Cytogenetic location: 9q34.11.
Variant type: single nucleotide variant.
Coding change: c.4902A>C on transcript NM_015354.3 (MANE Select); coding-DNA position 4902, A replaced by C.
Protein change: p.Ala1634=; no amino-acid change (alanine 1634 retained).
Molecular consequence: synonymous variant.
Genome position (GRCh38, 1-based): chr9:129,006,082, A>C. VCF-style: chr9-129006082-A-C. GRCh37 (hg19) VCF-style: chr9-131768361-A-C.
Identifiers: ClinVar variation 2659569 (VCV002659569.24), dbSNP rs2492168000, ClinGen allele CA467490296.

ClinVar aggregate classification (germline): Likely benign (1 of 4 stars; one submission).

Allele frequency attached by ClinVar (database versions not stated): gnomAD exomes below 0.00001.
gnomAD v4.1: 1 of 1,614,178 alleles (0.000062%); highest among the groups gnomAD compares: Non-Finnish European, 0.000085%; no homozygotes.

Submission:

CeGaT Center for Human Genetics Tuebingen
Classification: Likely benign. Last evaluated: 2023-03-01. Review status: criteria provided, single submitter. Criteria: CeGaT Center For Human Genetics Tuebingen Variant Classification Criteria Version 2. Collection method: clinical testing. Allele origin: germline. Affected: yes. Observed: 1 variant allele.
Comment: NUP188: PM2:Supporting, BP4, BP7